The following is an entry in ClinVar:

ClinVar aggregate classification (germline): Uncertain significance (1 of 4 stars; one submission).

Conditions:
Cardiovascular phenotype. Identifiers: MedGen CN230736.

Submission:

Ambry Genetics
Classification: Uncertain significance for Cardiovascular phenotype. Last evaluated: 2022-04-09. Review status: criteria provided, single submitter. Criteria: Ambry Variant Classification Scheme 2023. Collection method: clinical testing. Allele origin: germline.
Comment: The p.V1958L variant (also known as c.5872G>T), located in coding exon 15 of the TNXB gene, results from a G to T substitution at nucleotide position 5872. The valine at codon 1958 is replaced by leucine, an amino acid with highly similar properties. This amino acid position is conserved. In addition, this alteration is predicted to be tolerated by in silico analysis. Since supporting evidence is limited at this time, the clinical significance of this alteration remains unclear.

NM_001365276.2(TNXB):c.5872G>T (p.Val1958Leu)

Gene: TNXB (tenascin XB; minus strand). Cytogenetic location: 6p21.33.
Variant type: single nucleotide variant.
Coding change: c.5872G>T on transcript NM_001365276.2 (MANE Select); coding-DNA position 5872, G replaced by T.
Protein change: p.Val1958Leu; replaces valine 1958 with leucine.
Molecular consequence: missense variant.
Genome position (GRCh38, 1-based): chr6:32,068,852, C>A on the plus strand (G>T on the coding strand, the complement: TNXB is on the minus strand). VCF-style: chr6-32068852-C-A. GRCh37 (hg19) VCF-style: chr6-32036629-C-A.
Other names: c.5872G>T, p.Val1958Leu (NM_019105.8); short protein forms V1958L.
Identifiers: ClinVar variation 1750209 (VCV001750209.2), dbSNP rs1048476467, ClinGen allele CA136886986.